The following is an entry in ClinVar:

ClinVar aggregate classification (germline): Uncertain significance. Review status: criteria provided, multiple submitters, no conflicts (2 of 4 stars). 4 submissions from 4 submitters: Uncertain significance (4). Last evaluated 2026-03-07.

Conditions:
Hypertrophic cardiomyopathy 1 (CMH1). Also called: MYH7-Related Familial Hypertrophic Cardiomyopathy; Familial hypertrophic cardiomyopathy 1. Identifiers: MedGen C3495498, MONDO:0008647, OMIM 192600.

Allele frequency attached by ClinVar (database versions not stated): TOPMed below 0.00001.
gnomAD v4.1: 23 of 1,612,900 alleles (0.0014%); highest among the groups gnomAD compares: African/African-American, 0.021%; 1 homozygote.

Submissions (4):

Ambry Genetics
Classification: Uncertain significance. Last evaluated: 2026-03-07. Review status: criteria provided, single submitter. Criteria: Ambry Variant Classification Scheme 2023. Collection method: clinical testing. Allele origin: germline.
Comment: The p.Q115P variant (also known as c.344A>C), located in coding exon 2 of the MYLK2 gene, results from an A to C substitution at nucleotide position 344. The glutamine at codon 115 is replaced by proline, an amino acid with similar properties. This amino acid position is conserved. In addition, this alteration is predicted to be tolerated by in silico analysis. Based on the available evidence, the clinical significance of this variant remains unclear.

Labcorp Genetics (formerly Invitae), Labcorp
Classification: Uncertain significance for Hypertrophic cardiomyopathy 1. Last evaluated: 2025-01-26. Review status: criteria provided, single submitter. Criteria: Invitae Variant Classification Sherloc (09022015). Collection method: clinical testing. Allele origin: germline.
Comment: This sequence change replaces glutamine, which is neutral and polar, with proline, which is neutral and non-polar, at codon 115 of the MYLK2 protein (p.Gln115Pro). This variant is not present in population databases (gnomAD no frequency). This variant has not been reported in the literature in individuals affected with MYLK2-related conditions. ClinVar contains an entry for this variant (Variation ID: 179165). Invitae Evidence Modeling of protein sequence and biophysical properties (such as structural, functional, and spatial information, amino acid conservation, physicochemical variation, residue mobility, and thermodynamic stability) indicates that this missense variant is not expected to disrupt MYLK2 protein function with a negative predictive value of 80%. In summary, the available evidence is currently insufficient to determine the role of this variant in disease. Therefore, it has been classified as a Variant of Uncertain Significance.

GeneDx
Classification: Uncertain significance. Last evaluated: 2020-02-03. Review status: criteria provided, single submitter. Criteria: GeneDx Variant Classification Process June 2021. Collection method: clinical testing. Allele origin: germline. Affected: yes.
Comment: Has not been previously published as pathogenic or benign to our knowledge; Reported in ClinVar as a variant of uncertain significance (ClinVar Variant ID# 179165; Landrum et al., 2016); Not observed in large population cohorts (Lek et al., 2016); In silico analysis supports that this missense variant does not alter protein structure/function

Laboratory for Molecular Medicine, Mass General Brigham Personalized Medicine
Classification: Uncertain significance. Last evaluated: 2014-12-17. Review status: criteria provided, single submitter. Criteria: LMM Criteria. Collection method: clinical testing. Allele origin: germline. Observed: 2 variant alleles.
Comment: Variant classified as Uncertain Significance - Favor Benign. It was absent from large population stud ies. Glutamine (Gln) at position 115 is not conserved in evolution and Chinese h amster, golden hamster, and cape golden mole have a proline (Pro) at this positi on, raising the possibility that this change may be tolerated. Additional comput ational analyses do not provide strong support for or against an impact to the p rotein. In summary, while the clinical significance of the p.Gln115Pro variant i s uncertain, the presence of the variant amino acid in other mammals suggests th at it is more likely to be benign.

NM_033118.4(MYLK2):c.344A>C (p.Gln115Pro)

Gene: MYLK2 (myosin light chain kinase 2; plus strand). Cytogenetic location: 20q11.21.
Variant type: single nucleotide variant.
Coding change: c.344A>C on transcript NM_033118.4 (MANE Select); coding-DNA position 344, A replaced by C.
Protein change: p.Gln115Pro; replaces glutamine 115 with proline.
Molecular consequence: missense variant.
Genome position (GRCh38, 1-based): chr20:31,820,417, A>C. VCF-style: chr20-31820417-A-C. GRCh37 (hg19) VCF-style: chr20-30408220-A-C.
Other names: short protein forms Q115P.
Identifiers: ClinVar variation 179165 (VCV000179165.10), dbSNP rs727504681, ClinGen allele CA183850.